The following is an entry in ClinVar:

ClinVar aggregate classification (germline): Uncertain significance. Review status: criteria provided, multiple submitters, no conflicts (2 of 4 stars). 3 submissions from 3 submitters: Uncertain significance (3). Last evaluated 2025-10-18.

Conditions:
Inborn genetic diseases. Identifiers: MedGen C0950123, MeSH D030342.
Combined immunodeficiency due to DOCK8 deficiency (HIES2). Also called: HIES autosomal recessive; Hyper-IgE recurrent infection syndrome, autosomal recessive; DOCK8 Deficiency; HYPER-IgE RECURRENT INFECTION SYNDROME 2, AUTOSOMAL RECESSIVE; HYPER-IgE SYNDROME 2, AUTOSOMAL RECESSIVE, WITH RECURRENT INFECTIONS. Identifiers: Orphanet 217390, MedGen C4722305, MONDO:0009478, OMIM 243700.

Allele frequency attached by ClinVar (database versions not stated): gnomAD 0.00005 and 0.00006; TOPMed 0.00009.
gnomAD v4.1: 74 of 1,614,052 alleles (0.0046%); highest among the groups gnomAD compares: Non-Finnish European, 0.0061%; no homozygotes.

Submissions (3):

Ambry Genetics
Classification: Uncertain significance for Inborn genetic diseases. Last evaluated: 2025-10-18. Review status: criteria provided, single submitter. Criteria: Ambry Variant Classification Scheme 2023. Collection method: clinical testing. Allele origin: germline.

Labcorp Genetics (formerly Invitae), Labcorp
Classification: Uncertain significance for Combined immunodeficiency due to DOCK8 deficiency. Last evaluated: 2022-07-09. Review status: criteria provided, single submitter. Criteria: Invitae Variant Classification Sherloc (09022015). Collection method: clinical testing. Allele origin: germline.
Comment: This sequence change replaces serine, which is neutral and polar, with phenylalanine, which is neutral and non-polar, at codon 442 of the DOCK8 protein (p.Ser442Phe). This variant is present in population databases (rs745498345, gnomAD 0.009%). This variant has not been reported in the literature in individuals affected with DOCK8-related conditions. ClinVar contains an entry for this variant (Variation ID: 1001997). Algorithms developed to predict the effect of missense changes on protein structure and function are either unavailable or do not agree on the potential impact of this missense change (SIFT: "Deleterious"; PolyPhen-2: "Benign"; Align-GVGD: "Class C0"). In summary, the available evidence is currently insufficient to determine the role of this variant in disease. Therefore, it has been classified as a Variant of Uncertain Significance.

GeneDx
Classification: Uncertain significance. Last evaluated: 2022-05-25. Review status: criteria provided, single submitter. Criteria: GeneDx Variant Classification Process June 2021. Collection method: clinical testing. Allele origin: germline. Affected: yes.
Comment: Has not been previously published as pathogenic or benign to our knowledge; In silico analysis supports that this missense variant does not alter protein structure/function

NM_203447.4(DOCK8):c.1325C>T (p.Ser442Phe)

Gene: DOCK8 (dedicator of cytokinesis 8; plus strand). Cytogenetic location: 9p24.3.
Variant type: single nucleotide variant.
Coding change: c.1325C>T on transcript NM_203447.4 (MANE Select); coding-DNA position 1325, C replaced by T.
Protein change: p.Ser442Phe; replaces serine 442 with phenylalanine.
Molecular consequence: missense variant.
Genome position (GRCh38, 1-based): chr9:336,621, C>T. VCF-style: chr9-336621-C-T. GRCh37 (hg19) VCF-style: chr9-336621-C-T.
Other names: c.1121C>T, p.Ser374Phe (NM_001190458.2, NM_001193536.2); short protein forms S374F, S442F.
Identifiers: ClinVar variation 1001997 (VCV001001997.9), dbSNP rs745498345, ClinGen allele CA4957694.